The following is an entry in ClinVar:

NM_003098.3(SNTA1):c.1280T>G (p.Ile427Ser)

Gene: SNTA1 (syntrophin alpha 1; minus strand). Cytogenetic location: 20q11.21.
Variant type: single nucleotide variant.
Coding change: c.1280T>G on transcript NM_003098.3 (MANE Select); coding-DNA position 1280, T replaced by G.
Protein change: p.Ile427Ser; replaces isoleucine 427 with serine.
Molecular consequence: missense variant.
Genome position (GRCh38, 1-based): chr20:33,408,846, A>C on the plus strand (T>G on the coding strand, the complement: SNTA1 is on the minus strand). VCF-style: chr20-33408846-A-C. GRCh37 (hg19) VCF-style: chr20-31996652-A-C.
Other names: c.1280T>G, p.Ile427Ser (NM_001424413.1); c.1312T>G, p.Ser438Ala (NM_001424414.1); short protein forms I427S, S438A.
Identifiers: ClinVar variation 3223109 (VCV003223109.1), dbSNP rs771053140, ClinGen allele CA408630371.

ClinVar aggregate classification (germline): Uncertain significance (1 of 4 stars; one submission).

Conditions:
Cardiovascular phenotype. Identifiers: MedGen CN230736.

gnomAD v4.1: 3 of 1,614,176 alleles (0.00019%); highest among the groups gnomAD compares: East Asian, 0.0067%; no homozygotes.

Submission:

Ambry Genetics
Classification: Uncertain significance for Cardiovascular phenotype. Last evaluated: 2023-12-21. Review status: criteria provided, single submitter. Criteria: Ambry Variant Classification Scheme 2023. Collection method: clinical testing. Allele origin: germline.
Comment: The p.I427S variant (also known as c.1280T>G), located in coding exon 7 of the SNTA1 gene, results from a T to G substitution at nucleotide position 1280. The isoleucine at codon 427 is replaced by serine, an amino acid with dissimilar properties. This amino acid position is conserved. In addition, this alteration is predicted to be deleterious by in silico analysis. Since supporting evidence is limited at this time, the clinical significance of this alteration remains unclear.